The following is an entry in ClinVar:

NM_001089.3(ABCA3):c.3604T>G (p.Phe1202Val)

Gene: ABCA3 (ATP binding cassette subfamily A member 3; minus strand). Cytogenetic location: 16p13.3.
Variant type: single nucleotide variant.
Coding change: c.3604T>G on transcript NM_001089.3 (MANE Select); coding-DNA position 3604, T replaced by G.
Protein change: p.Phe1202Val; replaces phenylalanine 1202 with valine.
Molecular consequence: missense variant.
Genome position (GRCh38, 1-based): chr16:2,284,878, A>C on the plus strand (T>G on the coding strand, the complement: ABCA3 is on the minus strand). VCF-style: chr16-2284878-A-C. GRCh37 (hg19) VCF-style: chr16-2334879-A-C.
Other names: short protein forms F1202V.
Identifiers: ClinVar variation 1733144 (VCV001733144.2), dbSNP rs1408936591, ClinGen allele CA394315660.

ClinVar aggregate classification (germline): Uncertain significance (1 of 4 stars; one submission).

Conditions:
Hereditary pulmonary alveolar proteinosis. Also called: Pulmonary surfactant metabolism dysfunction. Identifiers: Orphanet 264675, MedGen C3711368, MONDO:0012580.

Submission:

Ambry Genetics
Classification: Uncertain significance for Hereditary pulmonary alveolar proteinosis. Last evaluated: 2018-08-08. Review status: criteria provided, single submitter. Criteria: Ambry Variant Classification Scheme 2023. Collection method: clinical testing. Allele origin: germline.
Comment: The p.F1202V variant (also known as c.3604T>G), located in coding exon 21 of the ABCA3 gene, results from a T to G substitution at nucleotide position 3604. The phenylalanine at codon 1202 is replaced by valine, an amino acid with highly similar properties. This amino acid position is poorly conserved in available vertebrate species. In addition, the in silico prediction for this alteration is inconclusive. Since supporting evidence is limited at this time, the clinical significance of this alteration remains unclear.